The following is an entry in ClinVar:

ClinVar aggregate classification (germline): Uncertain significance (1 of 4 stars; one submission).

Submission:

Clinical Genomics Laboratory, Washington University in St. Louis
Classification: Uncertain significance. Last evaluated: 2023-11-08. Review status: criteria provided, single submitter. Criteria: ACMG Guidelines, 2015. Collection method: clinical testing. Allele origin: germline.
Comment: The TNKS2 c.77G>C (p.Arg26Pro) variant, to our knowledge, has not been reported in the medical literature and is absent from the general population (gnomAD v.2.1.1), indicating it is not a common variant. Computational predictors are uncertain as to the impact of this variant on TNKS2 function. Due to limited information, the clinical significance of this variant is uncertain.

NM_025235.4(TNKS2):c.77G>C (p.Arg26Pro)

Genes: TNKS2 (tankyrase 2; plus strand), LOC130004340 (ATAC-STARR-seq lymphoblastoid silent region 2609; plus strand). Cytogenetic location: 10q23.32.
Variant type: single nucleotide variant.
Coding change: c.77G>C on transcript NM_025235.4 (MANE Select); coding-DNA position 77, G replaced by C.
Protein change: p.Arg26Pro; replaces arginine 26 with proline.
Molecular consequence: missense variant.
Genome position (GRCh38, 1-based): chr10:91,798,767, G>C. VCF-style: chr10-91798767-G-C. GRCh37 (hg19) VCF-style: chr10-93558524-G-C.
Other names: short protein forms R26P.
Identifiers: ClinVar variation 3236571 (VCV003236571.1), dbSNP rs1844053482, ClinGen allele CA377547710.
Genomic context (GRCh38, chr10:91,798,767, plus strand): 5'-GCGCCGGCGGGGGAGCGGCCTGCGCGAGCGCCGCGGCCGAGGCCGTGGAGCCGGCCGCCC[G>C]AGAGCTGTTCGAGGCGTGCCGCAACGGGGACGTGGAACGAGTCAAGAGGCTGGTGACGCC-3'
Protein context (NP_079511.1, residues 16-36): AAAEAVEPAA[Arg26Pro]ELFEACRNGD